The following is an entry in ClinVar:

NM_016097.5(IER3IP1):c.191G>C (p.Arg64Thr)

Gene: IER3IP1 (immediate early response 3 interacting protein 1; minus strand). Cytogenetic location: 18q21.1.
Variant type: single nucleotide variant.
Coding change: c.191G>C on transcript NM_016097.5 (MANE Select); coding-DNA position 191, G replaced by C.
Protein change: p.Arg64Thr; replaces arginine 64 with threonine.
Molecular consequence: missense variant.
Genome position (GRCh38, 1-based): chr18:47,157,438, C>G on the plus strand (G>C on the coding strand, the complement: IER3IP1 is on the minus strand). VCF-style: chr18-47157438-C-G. GRCh37 (hg19) VCF-style: chr18-44683809-C-G.
Other names: short protein forms R64T.
Identifiers: ClinVar variation 939609 (VCV000939609.10), dbSNP rs778702869, ClinGen allele CA8955707.

ClinVar aggregate classification (germline): Uncertain significance (1 of 4 stars; one submission).

Conditions:
Microcephaly, epilepsy, and diabetes syndrome. Identifiers: Orphanet 306558, MedGen C3280240, MONDO:0100328.

Allele frequency attached by ClinVar (database versions not stated): ExAC 0.00001; gnomAD exomes 0.00001 and 0.00002; gnomAD 0.00002; TOPMed 0.00002.

Submission:

Labcorp Genetics (formerly Invitae), Labcorp
Classification: Uncertain significance for Microcephaly, epilepsy, and diabetes syndrome. Last evaluated: 2024-12-09. Review status: criteria provided, single submitter. Criteria: Invitae Variant Classification Sherloc (09022015). Collection method: clinical testing. Allele origin: germline.
Comment: This sequence change replaces arginine, which is basic and polar, with threonine, which is neutral and polar, at codon 64 of the IER3IP1 protein (p.Arg64Thr). This variant is present in population databases (rs778702869, gnomAD 0.006%). This variant has not been reported in the literature in individuals affected with IER3IP1-related conditions. ClinVar contains an entry for this variant (Variation ID: 939609). An algorithm developed to predict the effect of missense changes on protein structure and function (PolyPhen-2) suggests that this variant is likely to be disruptive. In summary, the available evidence is currently insufficient to determine the role of this variant in disease. Therefore, it has been classified as a Variant of Uncertain Significance.